The following is an entry in ClinVar:

ClinVar aggregate classification (germline): Uncertain significance (1 of 4 stars; one submission).

Conditions:
Inborn genetic diseases. Identifiers: MedGen C0950123, MeSH D030342.

gnomAD v4.1: 3 of 1,604,414 alleles (0.00019%); highest among the groups gnomAD compares: Non-Finnish European, 0.00026%; no homozygotes.

Submission:

Ambry Genetics
Classification: Uncertain significance for Inborn genetic diseases. Last evaluated: 2025-12-07. Review status: criteria provided, single submitter. Criteria: Ambry Variant Classification Scheme 2023. Collection method: clinical testing. Allele origin: germline.
Comment: The p.T467A variant (also known as c.1399A>G), located in coding exon 8 of the ERCC6L2 gene, results from an A to G substitution at nucleotide position 1399. The threonine at codon 467 is replaced by alanine, an amino acid with similar properties. This amino acid position is conserved. In addition, this alteration is predicted to be tolerated by in silico analysis. Based on the available evidence, the clinical significance of this variant remains unclear.

NM_020207.7(ERCC6L2):c.1399A>G (p.Thr467Ala)

Gene: ERCC6L2 (ERCC excision repair 6 like 2; plus strand). Cytogenetic location: 9q22.32.
Variant type: single nucleotide variant.
Coding change: c.1399A>G on transcript NM_020207.7 (MANE Select); coding-DNA position 1399, A replaced by G.
Protein change: p.Thr467Ala; replaces threonine 467 with alanine.
Molecular consequence: missense variant. On other transcripts: non-coding transcript variant (1).
Genome position (GRCh38, 1-based): chr9:95,922,404, A>G. VCF-style: chr9-95922404-A-G. GRCh37 (hg19) VCF-style: chr9-98684686-A-G.
Other names: c.1399A>G, p.Thr467Ala (NM_001010895.4, NM_001375291.1, NM_001375292.1 and 2 more transcripts); short protein forms T467A.
Identifiers: ClinVar variation 4618779 (VCV004618779.1).